The following is an entry in ClinVar:

ClinVar aggregate classification (germline): Uncertain significance. Review status: criteria provided, multiple submitters, no conflicts (2 of 4 stars). 2 submissions from 2 submitters: Uncertain significance (2). Last evaluated 2019-07-10.

Conditions:
Hereditary cancer-predisposing syndrome. Also called: Hereditary Cancer Syndrome; Neoplastic Syndromes, Hereditary; Tumor predisposition; Hereditary neoplastic syndrome. Identifiers: Orphanet 140162, MedGen C0027672, MeSH D009386, MONDO:0015356.
Ataxia-telangiectasia syndrome (AT). Also called: Ataxia-telangiectasia, complementation group D; AT, COMPLEMENTATION GROUP C; ATAXIA-TELANGIECTASIA, COMPLEMENTATION GROUP A; ATAXIA-TELANGIECTASIA, FRESNO VARIANT; Ataxia-telangiectasia; LOUIS-BAR SYNDROME. Identifiers: Orphanet 100, MedGen C0004135, MONDO:0008840, OMIM 208900.

Allele frequency attached by ClinVar (database versions not stated): gnomAD exomes below 0.00001.
gnomAD v4.1: 2 of 1,606,308 alleles (0.00012%); highest among the groups gnomAD compares: Non-Finnish European, 0.00017%; no homozygotes.

Submissions (2):

Labcorp Genetics (formerly Invitae), Labcorp
Classification: Uncertain significance for Ataxia-telangiectasia syndrome. Last evaluated: 2019-07-10. Review status: criteria provided, single submitter. Criteria: Invitae Variant Classification Sherloc (09022015). Collection method: clinical testing. Allele origin: germline.
Comment: In summary, the available evidence is currently insufficient to determine the role of this variant in disease. Therefore, it has been classified as a Variant of Uncertain Significance. This sequence change replaces phenylalanine with serine at codon 61 of the ATM protein (p.Phe61Ser). The phenylalanine residue is highly conserved and there is a large physicochemical difference between phenylalanine and serine. This variant is not present in population databases (ExAC no frequency). This variant has not been reported in the literature in individuals with ATM-related conditions. ClinVar contains an entry for this variant (Variation ID: 186585). Algorithms developed to predict the effect of missense changes on protein structure and function (SIFT, PolyPhen-2, Align-GVGD) all suggest that this variant is likely to be disruptive, but these predictions have not been confirmed by published functional studies and their clinical significance is uncertain.

Ambry Genetics
Classification: Uncertain significance for Hereditary cancer-predisposing syndrome. Last evaluated: 2016-11-21. Review status: criteria provided, single submitter. Criteria: Ambry Variant Classification Scheme 2023. Collection method: clinical testing. Allele origin: germline.
Comment: The p.F61S variant (also known as c.182T>C), located in coding exon 2 of the ATM gene, results from a T to C substitution at nucleotide position 182. The phenylalanine at codon 61 is replaced by serine, an amino acid with highly dissimilar properties. This variant was not reported in population based cohorts in the following databases: Database of Single Nucleotide Polymorphisms (dbSNP), NHLBI Exome Sequencing Project (ESP), and 1000 Genomes Project. In the ESP, this variant was not observed in 6496 samples (12992 alleles) with coverage at this position. To date, this alteration has been detected with an allele frequency of approximately 0.002% (greater than 180000 alleles tested) in our clinical cohort. This amino acid position is highly conserved in available vertebrate species. In addition, this alteration is predicted to be deleterious by in silico analysis. Since supporting evidence is limited at this time, the clinical significance of this alteration remains unclear.

NM_000051.4(ATM):c.182T>C (p.Phe61Ser)

Gene: ATM (ATM serine/threonine kinase; plus strand). Cytogenetic location: 11q22.3.
Variant type: single nucleotide variant.
Coding change: c.182T>C on transcript NM_000051.4 (MANE Select); coding-DNA position 182, T replaced by C.
Protein change: p.Phe61Ser; replaces phenylalanine 61 with serine.
Molecular consequence: missense variant.
Genome position (GRCh38, 1-based): chr11:108,227,885, T>C. VCF-style: chr11-108227885-T-C. GRCh37 (hg19) VCF-style: chr11-108098612-T-C.
Other names: c.182T>C, p.Phe61Ser (NM_001351834.2, NM_001351835.2, NM_001351836.2); short protein forms F61S.
Identifiers: ClinVar variation 186585 (VCV000186585.15), dbSNP rs786203063, ClinGen allele CA195233.